The following is an entry in ClinVar:

ClinVar aggregate classification (germline): Uncertain significance (1 of 4 stars; one submission).

Conditions:
Primary familial hypertrophic cardiomyopathy (HCM). Identifiers: Orphanet 99739, MedGen C0949658, MeSH D024741, MONDO:0024573. Inheritance: Various modes of inheritance.
Dilated cardiomyopathy 1AA (CMD1AA). Also called: CARDIOMYOPATHY, DILATED, 1AA, WITH OR WITHOUT LEFT VENTRICULAR NONCOMPACTION; CARDIOMYOPATHY, FAMILIAL HYPERTROPHIC, 23, WITH OR WITHOUT LEFT VENTRICULAR NONCOMPACTION; Cardiomyopathy, dilated, 1AA, with or without LVNC. Identifiers: Orphanet 154, MedGen C2677338, MONDO:0012808, OMIM 612158.

Submission:

Labcorp Genetics (formerly Invitae), Labcorp
Classification: Uncertain significance for Primary familial hypertrophic cardiomyopathy; Dilated cardiomyopathy 1AA. Last evaluated: 2025-07-01. Review status: criteria provided, single submitter. Criteria: Invitae Variant Classification Sherloc (09022015). Collection method: clinical testing. Allele origin: germline.
Comment: This sequence change falls in intron 1 of the ACTN2 gene. It does not directly change the encoded amino acid sequence of the ACTN2 protein. This variant is not present in population databases (gnomAD no frequency). This variant has not been reported in the literature in individuals affected with ACTN2-related conditions. In summary, the available evidence is currently insufficient to determine the role of this variant in disease. Therefore, it has been classified as a Variant of Uncertain Significance.

NM_001103.4(ACTN2):c.126+20_126+43dup

Gene: ACTN2 (actinin alpha 2; plus strand). Cytogenetic location: 1q43.
Variant type: Duplication.
Coding change: c.126+20_126+43dup on transcript NM_001103.4 (MANE Select); bases 20 to 43 of the intron after coding-DNA position 126, 24 bases duplicated (CCGCCCGCGCGTGGTGGGGCCGGG).
Molecular consequence: intron variant.
Genome position (GRCh38, 1-based): chr1:236,686,819-236,686,842, CCGCCCGCGCGTGGTGGGGCCGGG duplicated; duplicating any 24 consecutive bases within chr1:236,686,815-236,686,842 gives the same sequence; the c. name uses the placement nearest the transcript's 3' end. VCF-style (leftmost placement, unchanged base first): chr1-236686814-G-GCGGGCCGCCCGCGCGTGGTGGGGC. GRCh37 (hg19) VCF-style: chr1-236850114-G-GCGGGCCGCCCGCGCGTGGTGGGGC.
Other names: c.126+20_126+43dup (NM_001278343.2).
Identifiers: ClinVar variation 4784997 (VCV004784997.1).